The following is an entry in ClinVar:

ClinVar aggregate classification (germline): Conflicting classifications of pathogenicity. Review status: criteria provided, conflicting classifications (1 of 4 stars). 5 submissions from 4 submitters: Uncertain significance (2); Likely benign (2). 1 of the submissions does not count toward it. Last evaluated 2024-06-05.

Conditions:
Aicardi Goutieres syndrome (AGS). Also called: Encephalopathy, familial infantile, with calcification of basal ganglia and chronic cerebrospinal fluid lymphocytosis. Identifiers: Orphanet 51, MedGen C0393591, MONDO:0018866.
Aicardi-Goutieres syndrome 5. Identifiers: Orphanet 51, MedGen C2749659, MONDO:0013059, OMIM 612952.
Chilblain lupus 2 (CHBL2). Identifiers: MedGen C3280721, MONDO:0013739, OMIM 614415.

Allele frequency attached by ClinVar (database versions not stated): ExAC 0.00005; gnomAD exomes 0.00008; gnomAD 0.00012 and 0.00013; TOPMed 0.00014; ESP Exome Variant Server 0.00015.
gnomAD v4.1: 339 of 1,613,978 alleles (0.021%); highest among the groups gnomAD compares: Non-Finnish European, 0.028%; 1 homozygote.

Submissions (5):

Blueprint Genetics
Classification: Likely benign. Last evaluated: 2024-06-05. Review status: criteria provided, single submitter. Criteria: ACMG Guidelines, 2015. Collection method: clinical testing. Allele origin: germline.

Labcorp Genetics (formerly Invitae), Labcorp
Classification: Uncertain significance for Aicardi-Goutieres syndrome 5. Last evaluated: 2022-05-06. Review status: criteria provided, single submitter. Criteria: Invitae Variant Classification Sherloc (09022015). Collection method: clinical testing. Allele origin: germline.
Comment: This sequence change replaces glutamine, which is neutral and polar, with lysine, which is basic and polar, at codon 465 of the SAMHD1 protein (p.Gln465Lys). This variant is present in population databases (rs142393072, gnomAD 0.02%). This variant has not been reported in the literature in individuals affected with SAMHD1-related conditions. ClinVar contains an entry for this variant (Variation ID: 338343). Algorithms developed to predict the effect of missense changes on protein structure and function output the following: SIFT: "Tolerated"; PolyPhen-2: "Benign"; Align-GVGD: "Class C0". The lysine amino acid residue is found in multiple mammalian species, which suggests that this missense change does not adversely affect protein function. In summary, the available evidence is currently insufficient to determine the role of this variant in disease. Therefore, it has been classified as a Variant of Uncertain Significance.

Illumina Laboratory Services, Illumina
Classification: Uncertain significance for Aicardi-Goutieres syndrome 5. Last evaluated: 2018-01-13. Review status: criteria provided, single submitter. Criteria: ICSL Variant Classification Criteria 13 December 2019. Collection method: clinical testing. Allele origin: germline.

Illumina Laboratory Services, Illumina
Classification: Likely benign for Chilblain lupus 2. Last evaluated: 2018-01-13. Review status: criteria provided, single submitter. Criteria: ICSL Variant Classification Criteria 13 December 2019. Collection method: clinical testing. Allele origin: germline.
Comment: This variant was observed in the ICSL laboratory as part of a predisposition screen in an ostensibly healthy population. It had not been previously curated by ICSL or reported in the Human Gene Mutation Database (HGMD: prior to June 1st, 2018), and was therefore a candidate for classification through an automated scoring system. Utilizing variant allele frequency, disease prevalence and penetrance estimates, and inheritance mode, an automated score was calculated to assess if this variant is too frequent to cause the disease. Based on the score and internal cut-off values, a variant classified as likely benign is not then subjected to further curation. The score for this variant resulted in a classification of likely benign for this disease.

Natera, Inc.
Classification: Uncertain significance for Aicardi-Goutieres syndrome. Last evaluated: 2020-03-11. Review status: no assertion criteria provided. Collection method: clinical testing. Allele origin: germline. Not counted in ClinVar's aggregate classification.

NM_015474.4(SAMHD1):c.1393C>A (p.Gln465Lys)

Gene: SAMHD1 (SAM and HD domain containing deoxynucleoside triphosphate triphosphohydrolase 1; minus strand). Cytogenetic location: 20q11.23.
Variant type: single nucleotide variant.
Coding change: c.1393C>A on transcript NM_015474.4 (MANE Select); coding-DNA position 1393, C replaced by A.
Protein change: p.Gln465Lys; replaces glutamine 465 with lysine.
Molecular consequence: missense variant.
Genome position (GRCh38, 1-based): chr20:36,905,381, G>T on the plus strand (C>A on the coding strand, the complement: SAMHD1 is on the minus strand). VCF-style: chr20-36905381-G-T. GRCh37 (hg19) VCF-style: chr20-35533784-G-T.
Other names: c.1393C>A, p.Gln465Lys (NM_001363729.2, NM_001363733.2); short protein forms Q465K.
Identifiers: ClinVar variation 338343 (VCV000338343.10), dbSNP rs142393072, ClinGen allele CA9844520.